The following is an entry in ClinVar:

NM_000243.3(MEFV):c.1518C>T (p.Ile506=)

Gene: MEFV (MEFV innate immunity regulator, pyrin; minus strand). Cytogenetic location: 16p13.3.
Variant type: single nucleotide variant.
Coding change: c.1518C>T on transcript NM_000243.3 (MANE Select); coding-DNA position 1518, C replaced by T.
Protein change: p.Ile506=; no amino-acid change (isoleucine 506 retained).
Molecular consequence: synonymous variant.
Genome position (GRCh38, 1-based): chr16:3,247,085, G>A on the plus strand (C>T on the coding strand, the complement: MEFV is on the minus strand). VCF-style: chr16-3247085-G-A. GRCh37 (hg19) VCF-style: chr16-3297085-G-A.
Other names: p.I506I:ATC>ATT; c.885C>T, p.Ile295= (NM_001198536.2).
Identifiers: ClinVar variation 36502 (VCV000036502.73), dbSNP rs104895099, ClinGen allele CA280254.

ClinVar aggregate classification (germline): Conflicting classifications of pathogenicity. Review status: criteria provided, conflicting classifications (1 of 4 stars). 14 submissions from 14 submitters: Uncertain significance (1); Benign (1); Likely benign (8). 4 of the submissions do not count toward it. Last evaluated 2026-01-26.

Conditions:
Inborn genetic diseases. Identifiers: MedGen C0950123, MeSH D030342.
Autoinflammatory syndrome. Identifiers: Orphanet 93665, MedGen C3890737, MONDO:0019751.
Familial Mediterranean fever (FMF). Also called: Periodic peritonitis; Benign paroxysmal peritonitis; POLYSEROSITIS, FAMILIAL PAROXYSMAL; POLYSEROSITIS, RECURRENT. Identifiers: Orphanet 342, MedGen C0031069, MONDO:0018088, OMIM 249100. Disease mechanism: gain of function.

Allele frequency attached by ClinVar (database versions not stated): TOPMed 0.00013; gnomAD 0.00015 and 0.00016; gnomAD exomes 0.00015; ExAC 0.00017.
gnomAD v4.1: 219 of 1,614,178 alleles (0.014%); highest among the groups gnomAD compares: Middle Eastern, 0.4%; no homozygotes.

Submissions (14):

Labcorp Genetics (formerly Invitae), Labcorp
Classification: Likely benign for Familial Mediterranean fever. Last evaluated: 2026-01-26. Review status: criteria provided, single submitter. Criteria: Invitae Variant Classification Sherloc (09022015). Collection method: clinical testing. Allele origin: germline.

CeGaT Center for Human Genetics Tuebingen
Classification: Likely benign. Last evaluated: 2024-12-01. Review status: criteria provided, single submitter. Criteria: CeGaT Center For Human Genetics Tuebingen Variant Classification Criteria Version 2. Collection method: clinical testing. Allele origin: germline. Affected: yes. Observed: 2 variant alleles.
Comment: MEFV: BP4, BP7

Blueprint Genetics
Classification: Likely benign. Last evaluated: 2024-11-26. Review status: criteria provided, single submitter. Criteria: ACMG Guidelines, 2015. Collection method: clinical testing. Allele origin: germline.

ARUP Laboratories, Molecular Genetics and Genomics, ARUP Laboratories
Classification: Likely benign. Last evaluated: 2023-11-10. Review status: criteria provided, single submitter. Criteria: ARUP Molecular Germline Variant Investigation Process 2024. Collection method: clinical testing. Allele origin: germline.

Molecular Genetics Laboratory, BC Children's and BC Women's Hospitals
Classification: Likely benign for Familial Mediterranean fever. Last evaluated: 2020-10-13. Review status: criteria provided, single submitter. Criteria: ACMG Guidelines, 2015. Collection method: clinical testing. Allele origin: germline. Affected: yes.

Women's Health and Genetics/Laboratory Corporation of America, LabCorp
Classification: Likely benign. Last evaluated: 2020-08-02. Review status: criteria provided, single submitter. Criteria: LabCorp Variant Classification Summary - May 2015. Collection method: clinical testing. Allele origin: germline.

Genome Diagnostics Laboratory, The Hospital for Sick Children
Classification: Uncertain significance for Autoinflammatory syndrome. Last evaluated: 2020-07-27. Review status: criteria provided, single submitter. Criteria: ACMG Guidelines, 2015. Collection method: clinical testing. Allele origin: germline. Affected: yes.

Ambry Genetics
Classification: Likely benign for Inborn genetic diseases. Last evaluated: 2017-09-18. Review status: criteria provided, single submitter. Criteria: Ambry Variant Classification Scheme 2023. Collection method: clinical testing. Allele origin: germline.

GeneDx
Classification: Benign. Last evaluated: 2012-08-30. Review status: criteria provided, single submitter. Criteria: GeneDx Variant Classification (06012015). Collection method: clinical testing. Allele origin: germline. Affected: yes.
Comment: This variant is considered likely benign or benign based on one or more of the following criteria: it is a conservative change, it occurs at a poorly conserved position in the protein, it is predicted to be benign by multiple in silico algorithms, and/or has population frequency not consistent with disease.

Breakthrough Genomics
Classification: Likely benign. Review status: criteria provided, single submitter. Criteria: ACMG Guidelines, 2015. Collection method: not provided. Allele origin: germline. Inheritance: Autosomal recessive inheritance. Affected: yes.

Natera, Inc.
Classification: Likely benign for Familial Mediterranean fever. Last evaluated: 2020-02-17. Review status: no assertion criteria provided. Collection method: clinical testing. Allele origin: germline. Not counted in ClinVar's aggregate classification.

Clinical Genetics DNA and cytogenetics Diagnostics Lab, Erasmus MC, Erasmus Medical Center
Classification: Likely benign. Review status: no assertion criteria provided. Collection method: clinical testing. Allele origin: germline. Affected: yes. Study: VKGL Data-share Consensus. Not counted in ClinVar's aggregate classification.

Genome Diagnostics Laboratory, University Medical Center Utrecht
Classification: Likely benign. Review status: no assertion criteria provided. Collection method: clinical testing. Allele origin: germline. Affected: yes. Study: VKGL Data-share Consensus. Not counted in ClinVar's aggregate classification.

Unité médicale des maladies autoinflammatoires, CHRU Montpellier
No classification provided. Condition: Familial Mediterranean fever. Review status: no classification provided. Collection method: not provided. Allele origin: unknown. Not counted in ClinVar's aggregate classification.

Literature cited by the submitters: PubMed 10364520 (cited by Women's Health and Genetics/Laboratory Corporation of America, LabCorp); PubMed 21413889 (cited by Women's Health and Genetics/Laboratory Corporation of America, LabCorp); PubMed 14679589 (cited by Women's Health and Genetics/Laboratory Corporation of America, LabCorp); PubMed 22934972 (cited by Women's Health and Genetics/Laboratory Corporation of America, LabCorp).